The following is an entry in ClinVar:

NM_000257.4(MYH7):c.4954-9G>C

Genes: MHRT (myosin heavy chain associated RNA transcript; plus strand), MYH7 (myosin heavy chain 7; minus strand), LOC126861897 (BRD4-independent group 4 enhancer GRCh37_chr14:23884455-23885654; plus strand). Cytogenetic location: 14q11.2.
Variant type: single nucleotide variant.
Coding change: c.4954-9G>C on transcript NM_000257.4 (MANE Select); 9 bases into the intron before coding-DNA position 4954, G replaced by C.
Molecular consequence: intron variant.
Genome position (GRCh38, 1-based): chr14:23,415,841, C>G on the plus strand (G>C on the coding strand, the complement: MYH7 is on the minus strand). VCF-style: chr14-23415841-C-G. GRCh37 (hg19) VCF-style: chr14-23885050-C-G.
Identifiers: ClinVar variation 1136375 (VCV001136375.11), dbSNP rs1892178883, ClinGen allele CA2123464714.
Genomic context (GRCh38, chr14:23,415,841, plus strand): 5'-CCTTCAGGTCGTCGTTGGCACGGACTGCATCGTCCAGCTGAATCTGGGTGTCCTGAGGAT[C>G]AGGAGAGTGGGCATGAGCAGGGAGCCAGCCTCGGTTCCCTTCACTAAAGGCACCTGTCAG-3'

ClinVar aggregate classification (germline): Likely benign. Review status: criteria provided, multiple submitters, no conflicts (2 of 4 stars). 4 submissions from 4 submitters: Likely benign (4). Last evaluated 2023-05-16.

Conditions:
Cardiomyopathy (CMYO). Also called: Cardiomyopathies. Identifiers: Orphanet 167848, MedGen C0878544, MONDO:0004994, HP:0001638. Inheritance: Various modes of inheritance.
Hypertrophic cardiomyopathy. Also called: HYPERTROPHIC MYOCARDIOPATHY. Identifiers: Orphanet 217569, MedGen C0007194, MeSH D002312, MONDO:0005045, HP:0001639.

gnomAD v4.1: 4 of 1,614,186 alleles (0.00025%); highest among the groups gnomAD compares: Non-Finnish European, 0.00034%; no homozygotes.

Submissions (4):

All of Us Research Program, National Institutes of Health
Classification: Likely benign for Cardiomyopathy. Last evaluated: 2023-05-16. Review status: criteria provided, single submitter. Criteria: ACMG Guidelines, 2015. Collection method: clinical testing. Allele origin: germline. Inheritance: Autosomal dominant inheritance. Observed: 1 variant allele, 1 heterozygote.
Comment: This study involves interpretation of variants in research participants for the purpose of population health screening. Participant phenotype was not available at the time of variant classification. Additional details can be found in publication PMID: 35346344, PMCID: PMC8962531

Color Diagnostics, LLC DBA Color Health
Classification: Likely benign for Cardiomyopathy. Last evaluated: 2023-05-11. Review status: criteria provided, single submitter. Criteria: ACMG Guidelines, 2015. Collection method: clinical testing. Allele origin: germline.

Labcorp Genetics (formerly Invitae), Labcorp
Classification: Likely benign for Hypertrophic cardiomyopathy. Last evaluated: 2023-03-30. Review status: criteria provided, single submitter. Criteria: Invitae Variant Classification Sherloc (09022015). Collection method: clinical testing. Allele origin: germline.

Blueprint Genetics
Classification: Likely benign. Last evaluated: 2020-11-18. Review status: criteria provided, single submitter. Criteria: ACMG Guidelines, 2015. Collection method: clinical testing. Allele origin: germline.